The following is an entry in ClinVar:

ClinVar aggregate classification (germline): Benign/Likely benign. Review status: criteria provided, multiple submitters, no conflicts (2 of 4 stars). 5 submissions from 5 submitters: Benign (3); Likely benign (2). Last evaluated 2026-04-14.

Conditions:
Low phospholipid associated cholelithiasis (GBD1). Also called: Gallbladder disease 1; Gallstone cholecystitis. Identifiers: Orphanet 69663, MedGen C2609268, MONDO:0010939, OMIM 600803.
Familial intrahepatic cholestasis. Identifiers: Orphanet 284385, MedGen CN296401, MONDO:0017290.

Submissions (5):

Genomenon, Inc
Classification: Likely benign for Familial intrahepatic cholestasis; Low phospholipid associated cholelithiasis. Last evaluated: 2026-04-14. Review status: criteria provided, single submitter. Criteria: Genomenon Sequence Variant Interpretation Standards - Updated. Collection method: curation. Allele origin: germline. Affected: yes.
Comment: ABCB4 c.3486+10dup is a duplication variant located in intron 26. This variant has been observed in at least one proband with an ABCB4-related disorder (PMID:35288833;23684896). This intronic variant is not predicted to impact splicing. In conclusion, we classify ABCB4 c.3486+10dup as a likely benign variant.

Labcorp Genetics (formerly Invitae), Labcorp
Classification: Benign. Last evaluated: 2026-02-04. Review status: criteria provided, single submitter. Criteria: Invitae Variant Classification Sherloc (09022015). Collection method: clinical testing. Allele origin: germline.

Mayo Clinic Laboratories, Mayo Clinic
Classification: Benign. Last evaluated: 2025-10-07. Review status: criteria provided, single submitter. Criteria: ACMG Guidelines, 2015. Collection method: clinical testing. Allele origin: germline. Observed: 4 variant alleles.
Comment: BA1, BP4, BP7

GeneDx
Classification: Likely benign. Last evaluated: 2018-05-02. Review status: criteria provided, single submitter. Criteria: GeneDx Variant Classification Process June 2021. Collection method: clinical testing. Allele origin: germline. Affected: yes.
Comment: This variant is associated with the following publications: (PMID: 23684896)

Eurofins Ntd Llc (ga)
Classification: Benign. Last evaluated: 2015-07-24. Review status: criteria provided, single submitter. Criteria: EGL Classification Definitions. Collection method: clinical testing. Allele origin: germline. Observed: 1 variant allele, 1 heterozygote.

Literature cited by the submitters: PubMed 35288833 (cited by Genomenon, Inc); PubMed 23684896 (cited by Genomenon, Inc).

NM_000443.4(ABCB4):c.3486+10dup

Gene: ABCB4 (ATP binding cassette subfamily B member 4; minus strand). Cytogenetic location: 7q21.12.
Variant type: Duplication.
Coding change: c.3486+10dup on transcript NM_000443.4 (MANE Select); 10 bases into the intron after coding-DNA position 3486, one base duplicated (A; older notation c.3486+10dupA).
Molecular consequence: intron variant.
Genome position (GRCh38, 1-based): chr7:87,406,278, T duplicated on the plus strand (A on the coding strand, the reverse complement: ABCB4 is on the minus strand); the first of 3 consecutive T bases (chr7:87,406,278-87,406,280); duplicating any one gives the same sequence. VCF-style (leftmost placement, unchanged base first): chr7-87406277-C-CT. GRCh37 (hg19) VCF-style: chr7-87035593-C-CT.
Other names: p.?; c.3345+10dup (NM_018850.3); c.3507+10dup (NM_018849.3).
Identifiers: ClinVar variation 281888 (VCV000281888.16), dbSNP rs8187809, ClinGen allele CA4326758.